The following is an entry in ClinVar:

NM_005477.3(HCN4):c.128C>T (p.Pro43Leu)

Gene: HCN4 (hyperpolarization activated cyclic nucleotide gated potassium channel 4; minus strand). Cytogenetic location: 15q24.1.
Variant type: single nucleotide variant.
Coding change: c.128C>T on transcript NM_005477.3 (MANE Select); coding-DNA position 128, C replaced by T.
Protein change: p.Pro43Leu; replaces proline 43 with leucine.
Molecular consequence: missense variant.
Genome position (GRCh38, 1-based): chr15:73,368,143, G>A on the plus strand (C>T on the coding strand, the complement: HCN4 is on the minus strand). VCF-style: chr15-73368143-G-A. GRCh37 (hg19) VCF-style: chr15-73660484-G-A.
Other names: short protein forms P43L.
Identifiers: ClinVar variation 240164 (VCV000240164.12), dbSNP rs759329385, ClinGen allele CA7649500.

ClinVar aggregate classification (germline): Conflicting classifications of pathogenicity. Review status: criteria provided, conflicting classifications (1 of 4 stars). 3 submissions from 3 submitters: Uncertain significance (2); Likely benign (1). Last evaluated 2025-11-26.

Conditions:
Cardiovascular phenotype. Identifiers: MedGen CN230736.
Brugada syndrome 8 (BRGDA8). Identifiers: Orphanet 130, MedGen C2751083, MONDO:0013148, OMIM 613123.

Allele frequency attached by ClinVar (database versions not stated): gnomAD 0.00001 and 0.00004; TOPMed 0.00001; gnomAD exomes 0.00004 and 0.00011; 1000 Genomes Project 30x 0.00016; ExAC 0.00034.

Submissions (3):

Labcorp Genetics (formerly Invitae), Labcorp
Classification: Likely benign for Brugada syndrome 8. Last evaluated: 2025-11-26. Review status: criteria provided, single submitter. Criteria: Invitae Variant Classification Sherloc (09022015). Collection method: clinical testing. Allele origin: germline.

GeneDx
Classification: Uncertain significance. Last evaluated: 2025-04-14. Review status: criteria provided, single submitter. Criteria: GeneDx Variant Classification Process June 2021. Collection method: clinical testing. Allele origin: germline. Affected: yes.
Comment: In silico analysis indicates that this missense variant does not alter protein structure/function; Has not been previously published as pathogenic or benign to our knowledge

Ambry Genetics
Classification: Uncertain significance for Cardiovascular phenotype. Last evaluated: 2024-08-15. Review status: criteria provided, single submitter. Criteria: Ambry Variant Classification Scheme 2023. Collection method: clinical testing. Allele origin: germline.
Comment: The p.P43L variant (also known as c.128C>T), located in coding exon 1 of the HCN4 gene, results from a C to T substitution at nucleotide position 128. The proline at codon 43 is replaced by leucine, an amino acid with similar properties. This amino acid position is conserved. In addition, this alteration is predicted to be tolerated by in silico analysis. Since supporting evidence is limited at this time, the clinical significance of this alteration remains unclear.